The following is an entry in ClinVar:

NM_000112.4(SLC26A2):c.408A>G (p.Glu136=)

Gene: SLC26A2 (solute carrier family 26 member 2; plus strand). Cytogenetic location: 5q32.
Variant type: single nucleotide variant.
Coding change: c.408A>G on transcript NM_000112.4 (MANE Select); coding-DNA position 408, A replaced by G.
Protein change: p.Glu136=; no amino-acid change (glutamic acid 136 retained).
Molecular consequence: synonymous variant.
Genome position (GRCh38, 1-based): chr5:149,978,060, A>G. VCF-style: chr5-149978060-A-G. GRCh37 (hg19) VCF-style: chr5-149357623-A-G.
Identifiers: ClinVar variation 3026880 (VCV003026880.22), dbSNP rs2480770979, ClinGen allele CA447401933.
Genomic context (GRCh38, chr5:149,978,060, plus strand): 5'-GATTGTGGGCATATTATTGGTGCCCCAGTCCATTGCTTATTCCCTGCTGGCTGGCCAAGA[A>G]CCTGTCTATGGTCTGTACACATCTTTTTTTGCCAGCATCATTTATTTTCTCTTGGGTACC-3'
Protein context (NP_000103.2, residues 126-146): SIAYSLLAGQ[Glu136=]PVYGLYTSFF

ClinVar aggregate classification (germline): Likely benign (1 of 4 stars; one submission).

Allele frequency attached by ClinVar (database versions not stated): gnomAD exomes below 0.00001.
gnomAD v4.1: 1 of 1,613,048 alleles (0.000062%); highest among the groups gnomAD compares: Non-Finnish European, 0.000085%; no homozygotes.

Submission:

CeGaT Center for Human Genetics Tuebingen
Classification: Likely benign. Last evaluated: 2024-01-01. Review status: criteria provided, single submitter. Criteria: CeGaT Center For Human Genetics Tuebingen Variant Classification Criteria Version 2. Collection method: clinical testing. Allele origin: germline. Affected: yes. Observed: 1 variant allele.
Comment: SLC26A2: PM2:Supporting, BP4, BP7